The following is an entry in ClinVar:

NM_000179.3(MSH6):c.3951_3960del (p.His1317fs)

Gene: MSH6 (mutS homolog 6; plus strand). Cytogenetic location: 2p16.3.
Variant type: Deletion.
Coding change: c.3951_3960del on transcript NM_000179.3 (MANE Select); coding-DNA positions 3951 to 3960, 10 bases deleted (TAGAAAAGCA; older notation c.3951_3960delTAGAAAAGCA).
Protein change: p.His1317fs; shifts the reading frame from histidine 1317.
Molecular consequence: frameshift variant.
Genome position (GRCh38, 1-based): chr2:47,806,601-47,806,610, TAGAAAAGCA deleted; deleting any 10 consecutive bases within chr2:47,806,599-47,806,610 gives the same sequence; the c. name uses the placement nearest the transcript's 3' end. VCF-style (leftmost placement, unchanged base first): chr2-47806598-ACATAGAAAAG-A. GRCh37 (hg19) VCF-style: chr2-48033737-ACATAGAAAAG-A.
Other names: c.3561_3570del, p.His1187fs (NM_001281492.2); c.3045_3054del, p.His1015fs (NM_001281493.2, NM_001281494.2); c.3951_3960del10 (NM_000179.2); short protein forms H1187fs, H1015fs, H1317fs.
Identifiers: ClinVar variation 479966 (VCV000479966.6), dbSNP rs1553333682, ClinGen allele CA658655770.

ClinVar aggregate classification (germline): Pathogenic. Review status: criteria provided, multiple submitters, no conflicts (2 of 4 stars). 2 submissions from 2 submitters: Pathogenic (2). Last evaluated 2023-08-28.

Conditions:
Hereditary cancer-predisposing syndrome. Also called: Hereditary Cancer Syndrome; Neoplastic Syndromes, Hereditary; Tumor predisposition; Hereditary neoplastic syndrome. Identifiers: Orphanet 140162, MedGen C0027672, MeSH D009386, MONDO:0015356.
Lynch syndrome 5 (LYNCH5). Also called: Colorectal cancer, hereditary nonpolyposis, type 5; Hereditary non-polyposis colorectal cancer, type 5. Identifiers: Orphanet 144, MedGen C1833477, MONDO:0013710, OMIM 614350. Disease mechanism: loss of function.

Submissions (2):

Myriad Genetics, Inc.
Classification: Pathogenic for Lynch syndrome 5. Last evaluated: 2023-08-28. Review status: criteria provided, single submitter. Criteria: Myriad Autosomal Dominant, Autosomal Recessive and X-Linked Classification Criteria (2023). Collection method: clinical testing. Allele origin: unknown.
Comment: This variant is considered pathogenic. This variant creates a frameshift predicted to result in premature protein truncation.

Ambry Genetics
Classification: Pathogenic for Hereditary cancer-predisposing syndrome. Last evaluated: 2017-05-08. Review status: criteria provided, single submitter. Criteria: Ambry Variant Classification Scheme 2023. Collection method: clinical testing. Allele origin: germline.
Comment: The c.3951_3960del10 pathogenic mutation, located in coding exon 9 of the MSH6 gene, results from a deletion of 10 nucleotides at nucleotide positions 3951 to 3960, causing a translational frameshift with a predicted alternate stop codon (p.H1317Qfs*7). This alteration is expected to result in loss of function by premature protein truncation. As such, this alteration is interpreted as a disease-causing mutation.